The following is an entry in ClinVar:

ClinVar aggregate classification (germline): Conflicting classifications of pathogenicity. Review status: criteria provided, conflicting classifications (1 of 4 stars). 5 submissions from 5 submitters: Likely pathogenic (1); Uncertain significance (4). Last evaluated 2025-09-09.

Conditions:
RYR1-related myopathy. Identifiers: Orphanet 98742, MedGen CN305348, MONDO:0100150.
Malignant hyperthermia, susceptibility to, 1 (MHS1). Also called: Anesthesia related hyperthermia; Malignant hyperpyrexia; Fulminating hyperpyrexia; Pharmacogenic myopathy; Malignant hyperthermia suceptibility 1; RYR1-Related Malignant Hyperthermia Susceptibility. Identifiers: Orphanet 423, MedGen C2930980, MONDO:0007783, OMIM 145600.
RYR1-related disorder. Also called: RYR1-related condition; RYR1-related disorders. Identifiers: MedGen CN239331.

Allele frequency attached by ClinVar (database versions not stated): TOPMed below 0.00001.
gnomAD v4.1: 6 of 1,614,194 alleles (0.00037%); highest among the groups gnomAD compares: Non-Finnish European, 0.00051%; no homozygotes.

Submissions (5):

GeneDx
Classification: Likely pathogenic. Last evaluated: 2025-09-09. Review status: criteria provided, single submitter. Criteria: GeneDx Variant Classification Process June 2021. Collection method: clinical testing. Allele origin: germline.
Comment: Not observed at significant frequency in large population cohorts (gnomAD); In silico analysis supports that this missense variant has a deleterious effect on protein structure/function; This variant is associated with the following publications: (PMID: 34463354, 12668474)

Color Diagnostics, LLC DBA Color Health
Classification: Uncertain significance for Malignant hyperthermia, susceptibility to, 1. Last evaluated: 2025-01-06. Review status: criteria provided, single submitter. Criteria: ACMG Guidelines, 2015. Collection method: clinical testing. Allele origin: germline.
Comment: This missense variant replaces glutamic acid with glutamine at codon 3035 of the RYR1 protein. Computational prediction suggests that this variant may not impact protein structure and function. To our knowledge, functional studies have not been reported for this variant. This variant has not been reported in individuals affected with malignant hyperthermia susceptibility in the literature, although it has been observed in individuals affected with other phenotypes (ClinVar Variation ID: 1000892) . This variant has not been identified in the general population by the Genome Aggregation Database (gnomAD). The available evidence is insufficient to determine the role of this variant in disease conclusively. Therefore, this variant is classified as a Variant of Uncertain Significance.

Broad Center for Mendelian Genomics, Broad Institute of MIT and Harvard
Classification: Uncertain significance for RYR1-related myopathy. Last evaluated: 2023-01-25. Review status: criteria provided, single submitter. Criteria: ACMG Guidelines, 2015. Collection method: curation. Allele origin: germline. Inheritance: Autosomal recessive inheritance.
Comment: Familial segregation analysis revealed that this variant was in trans with another variant of uncertain significance (ClinVar Variation ID: 590519). The p.Glu3035Gln variant in RYR1 has not been previously reported in individuals with RYR1-related myopathy but has been identified in 0.0004% (1/264,690) of chromosomes in TOPMed Bravo (dbSNP ID: rs1053579438). Although this variant has been seen in the general population in a heterozygous state, its frequency is low enough to be consistent with a recessive carrier frequency. This variant has also been reported in ClinVar (Variation ID:1000892) and has been interpreted as a variant of uncertain significance by Invitae. Computational prediction tools and conservation analyses do not provide strong support for or against an impact to the protein. In summary, the clinical significance of the p.Glu3035Gln variant is uncertain. ACMG/AMP Criteria applied: PM2_Supporting (Richards 2015).

Labcorp Genetics (formerly Invitae), Labcorp
Classification: Uncertain significance for RYR1-related disorder. Last evaluated: 2022-09-11. Review status: criteria provided, single submitter. Criteria: Invitae Variant Classification Sherloc (09022015). Collection method: clinical testing. Allele origin: germline.
Comment: This sequence change replaces glutamic acid, which is acidic and polar, with glutamine, which is neutral and polar, at codon 3035 of the RYR1 protein (p.Glu3035Gln). This variant is not present in population databases (gnomAD no frequency). This missense change has been observed in individual(s) with clinical features of RYR1-related conditions (Invitae). In at least one individual the data is consistent with being in trans (on the opposite chromosome) from a pathogenic variant. ClinVar contains an entry for this variant (Variation ID: 1000892). Advanced modeling of protein sequence and biophysical properties (such as structural, functional, and spatial information, amino acid conservation, physicochemical variation, residue mobility, and thermodynamic stability) has been performed at Invitae for this missense variant, however the output from this modeling did not meet the statistical confidence thresholds required to predict the impact of this variant on RYR1 protein function. In summary, the available evidence is currently insufficient to determine the role of this variant in disease. Therefore, it has been classified as a Variant of Uncertain Significance.

Revvity Omics, Revvity
Classification: Uncertain significance. Last evaluated: 2019-02-11. Review status: criteria provided, single submitter. Criteria: ACMG Guidelines, 2015. Collection method: clinical testing. Allele origin: germline.

NM_000540.3(RYR1):c.9103G>C (p.Glu3035Gln)

Gene: RYR1 (ryanodine receptor 1; plus strand). Cytogenetic location: 19q13.2.
Variant type: single nucleotide variant.
Coding change: c.9103G>C on transcript NM_000540.3 (MANE Select); coding-DNA position 9103, G replaced by C.
Protein change: p.Glu3035Gln; replaces glutamic acid 3035 with glutamine.
Molecular consequence: missense variant.
Genome position (GRCh38, 1-based): chr19:38,510,762, G>C. VCF-style: chr19-38510762-G-C. GRCh37 (hg19) VCF-style: chr19-39001402-G-C.
Other names: NM_000540.3(RYR1):c.9103G>C; p.Glu3035Gln; c.9103G>C, p.Glu3035Gln (NM_001042723.2); c.9103G>C (NM_000540.2); short protein forms E3035Q.
Identifiers: ClinVar variation 1000892 (VCV001000892.11), dbSNP rs1053579438, ClinGen allele CA308123387.